The following is an entry in ClinVar:

NM_002055.5(GFAP):c.1171+144T>C

Gene: GFAP (glial fibrillary acidic protein; minus strand). Cytogenetic location: 17q21.31.
Variant type: single nucleotide variant.
Coding change: c.1171+144T>C on transcript NM_002055.5 (MANE Select); 144 bases into the intron after coding-DNA position 1171, T replaced by C.
Molecular consequence: intron variant. On other transcripts: stop lost (1).
Genome position (GRCh38, 1-based): chr17:44,910,471, A>G on the plus strand (T>C on the coding strand, the complement: GFAP is on the minus strand). VCF-style: chr17-44910471-A-G. GRCh37 (hg19) VCF-style: chr17-42987839-A-G.
Other names: *439Q; c.1315T>C, p.Ter439Gln (NM_001242376.3); c.1171+144T>C (NM_001363846.2, NM_001131019.3).
Identifiers: ClinVar variation 930563 (VCV000930563.3), dbSNP rs560230868, ClinGen allele CA291027562.

ClinVar aggregate classification (germline): Uncertain significance (1 of 4 stars; one submission).

Conditions:
Alexander disease (ALXDRD). Also called: Alexander's disease. Identifiers: Orphanet 58, MedGen C0270726, MONDO:0008752, OMIM 203450.

Allele frequency attached by ClinVar (database versions not stated): gnomAD 0.00001; gnomAD exomes 0.00001; TOPMed 0.00002; 1000 Genomes Project 0.00020; 1000 Genomes Project 30x 0.00031.
gnomAD v4.1: 3 of 1,557,076 alleles (0.00019%); highest among the groups gnomAD compares: African/African-American, 0.0027%; no homozygotes.

Submission:

Centre for Mendelian Genomics, University Medical Centre Ljubljana
Classification: Uncertain significance for Alexander disease. Last evaluated: 2019-08-22. Review status: criteria provided, single submitter. Criteria: ACMG Guidelines, 2015. Collection method: clinical testing. Allele origin: unknown. Affected: yes.
Comment: This variant was classified as: Uncertain significance. The available evidence on this variant's pathogenicity is insufficient or conflicting. The following ACMG criteria were applied in classifying this variant: PM4.